The following is an entry in ClinVar:

NM_002382.5(MAX):c.176C>G (p.Ser59Cys)

Gene: MAX (MYC associated transcriptional regulator X; minus strand). Cytogenetic location: 14q23.3.
Variant type: single nucleotide variant.
Coding change: c.176C>G on transcript NM_002382.5 (MANE Select); coding-DNA position 176, C replaced by G.
Protein change: p.Ser59Cys; replaces serine 59 with cysteine.
Molecular consequence: missense variant. On other transcripts: 5 prime UTR variant (6), non-coding transcript variant (7), intron variant (2).
Genome position (GRCh38, 1-based): chr14:65,078,032, G>C on the plus strand (C>G on the coding strand, the complement: MAX is on the minus strand). VCF-style: chr14-65078032-G-C. GRCh37 (hg19) VCF-style: chr14-65544750-G-C.
Other names: c.-99C>G (NM_001320415.2, NM_001407105.1, NM_001407106.1 and 1 more transcripts); c.176C>G, p.Ser59Cys (NM_001407094.1, NM_001407096.1, NM_001407097.1 and 3 more transcripts); c.149C>G, p.Ser50Cys (NM_001407095.1, NM_001407099.1, NM_001407100.1 and 6 more transcripts); c.68C>G, p.Ser23Cys (NM_001407098.1); c.-192C>G (NM_001407111.1, NM_001407112.1); c.144+15676C>G (NM_001271069.2); c.171+15676C>G (NM_197957.4); short protein forms S23C, S50C, S59C.
Identifiers: ClinVar variation 4750993 (VCV004750993.1).

ClinVar aggregate classification (germline): Uncertain significance (1 of 4 stars; one submission).

Conditions:
Hereditary pheochromocytoma and paraganglioma. Also called: Hereditary Paraganglioma-Pheochromocytoma Syndromes; Hereditary paragangliomas and pheochromocytomas; Hereditary pheochromocytoma-paraganglioma. Identifiers: Orphanet 29072, MedGen C4274332, MONDO:0017366.

Submission:

Labcorp Genetics (formerly Invitae), Labcorp
Classification: Uncertain significance for Hereditary pheochromocytoma and paraganglioma. Last evaluated: 2025-07-20. Review status: criteria provided, single submitter. Criteria: Invitae Variant Classification Sherloc (09022015). Collection method: clinical testing. Allele origin: germline.
Comment: This sequence change replaces serine, which is neutral and polar, with cysteine, which is neutral and slightly polar, at codon 59 of the MAX protein (p.Ser59Cys). This variant is not present in population databases (gnomAD no frequency). This variant has not been reported in the literature in individuals affected with MAX-related conditions. An algorithm developed to predict the effect of missense changes on protein structure and function (PolyPhen-2) suggests that this variant is likely to be disruptive. In summary, the available evidence is currently insufficient to determine the role of this variant in disease. Therefore, it has been classified as a Variant of Uncertain Significance.